The following is an entry in ClinVar:

NM_181458.4(PAX3):c.130G>A (p.Val44Ile)

Gene: PAX3 (paired box 3; minus strand). Cytogenetic location: 2q36.1.
Variant type: single nucleotide variant.
Coding change: c.130G>A on transcript NM_181458.4 (MANE Select); coding-DNA position 130, G replaced by A.
Protein change: p.Val44Ile; replaces valine 44 with isoleucine.
Molecular consequence: missense variant.
Genome position (GRCh38, 1-based): chr2:222,297,169, C>T on the plus strand (G>A on the coding strand, the complement: PAX3 is on the minus strand). VCF-style: chr2-222297169-C-T. GRCh37 (hg19) VCF-style: chr2-223161888-C-T.
Other names: c.130G>A, p.Val44Ile (NM_000438.6, NM_001127366.3, NM_013942.5 and 4 more transcripts); short protein forms V44I.
Identifiers: ClinVar variation 3769593 (VCV003769593.1).

ClinVar aggregate classification (germline): Uncertain significance (1 of 4 stars; one submission).

Conditions:
Neurodevelopmental abnormality. Identifiers: MedGen C4022737, HP:0012759.

Submission:

Clinical Genetics Laboratory, Skane University Hospital Lund
Classification: Uncertain significance for Neurodevelopmental abnormality. Last evaluated: 2024-09-20. Review status: criteria provided, single submitter. Criteria: ACMG Guidelines, 2015. Collection method: clinical testing. Allele origin: de novo. Affected: yes.
Comment: ACMG criteria used: PP3